The following is an entry in ClinVar:

ClinVar aggregate classification (germline): not provided (0 of 4 stars; one submission).

Conditions:
Preeclampsia. Identifiers: Orphanet 275555, MedGen C0032914, MONDO:0005081, HP:0100602.

Submission:

Institute of Molecular and Cell Biology, University of Tartu
No classification provided. Condition: Preeclampsia. Review status: no classification provided. Collection method: case-control. Allele origin: unknown. Affected: yes. Study: Kasak2014.
Comment: The study aimed to determine the contribution of copy number variants in the genetic etiology of normal and complicated pregnancies. The samples represented (i) maternal blood DNA drawn from healthy pregnant women during 1st or 2nd trimester and (ii) maternal and paternal blood DNA drawn at term pregnancy cases representing normal and complicated gestations (severe preeclampsia, PE; gestational diabetes, GD; small-for-gestational age newborn, SGA; large-for-gestational age newborn, LGA). We performed CNV calling based on genome-wide genotyping dataset (Illumina HumanOmniExpress-24-v1 BeadChip) by applying three algorithms, QuantiSNP, GADA (Genome Alteration Detection Algorithm) and CNstream in parallel. The acquired CNV calls were merged with HD-CNV (Hotspot Detector for Copy Number Variants) program and only the CNVs predicted by at least two programs, were considered in subsequent analysis.

Literature cited by the submitters: PubMed 25666259.

NC_000003.12:g.35785215_35861393dup

Genes: ARPP21 (cAMP regulated phosphoprotein 21; plus strand), LOC129936457 (ATAC-STARR-seq lymphoblastoid silent region 14194; plus strand). Cytogenetic location: 3p22.3.
Variant type: Duplication.
Identifiers: ClinVar variation 156845 (VCV000156845.2).